The following is an entry in ClinVar:

ClinVar aggregate classification (germline): Pathogenic/Likely pathogenic. Review status: criteria provided, multiple submitters, no conflicts (2 of 4 stars). 3 submissions from 3 submitters: Pathogenic (2); Likely pathogenic (1). Last evaluated 2025-10-21.

Conditions:
Cardiovascular phenotype. Identifiers: MedGen CN230736.
Hereditary cancer-predisposing syndrome. Also called: Neoplastic Syndromes, Hereditary; Hereditary Cancer Syndrome; Tumor predisposition; Hereditary neoplastic syndrome. Identifiers: Orphanet 140162, MedGen C0027672, MeSH D009386, MONDO:0015356.

Submissions (3):

Labcorp Genetics (formerly Invitae), Labcorp
Classification: Pathogenic. Last evaluated: 2025-10-21. Review status: criteria provided, single submitter. Criteria: Invitae Variant Classification Sherloc (09022015). Collection method: clinical testing. Allele origin: germline.
Comment: This sequence change creates a premature translational stop signal (p.Pro117Serfs*29) in the LZTR1 gene. It is expected to result in an absent or disrupted protein product. Loss-of-function variants in LZTR1 are known to be pathogenic (PMID: 24362817, 25335493, 25480913, 25795793, 29469822, 30368668, 30442762, 30442766, 30481304, 30859559). This variant is not present in population databases (gnomAD no frequency). This variant has not been reported in the literature in individuals affected with LZTR1-related conditions. ClinVar contains an entry for this variant (Variation ID: 504043). For these reasons, this variant has been classified as Pathogenic.

Ambry Genetics
Classification: Pathogenic for Cardiovascular phenotype; Hereditary cancer-predisposing syndrome. Last evaluated: 2024-12-20. Review status: criteria provided, single submitter. Criteria: Ambry Variant Classification Scheme 2023. Collection method: clinical testing. Allele origin: germline.
Comment: The c.348_349insT pathogenic mutation, located in coding exon 4 of the LZTR1 gene, results from an insertion of one nucleotide at position 348, causing a translational frameshift with a predicted alternate stop codon (p.P117Sfs*29). This variant is considered to be rare based on population cohorts in the Genome Aggregation Database (gnomAD). This alteration is expected to result in loss of function by premature protein truncation or nonsense-mediated mRNA decay. Loss-of-function variants in LZTR1 are related to an increased risk for schwannomas and autosomal recessive Noonan syndrome; however, such associations with autosomal dominant Noonan syndrome have not been observed (Piotrowski A et al. Nat Genet. 2014 Feb;46:182-7; Yamamoto GL et al. J Med Genet. 2015 Jun;52:413-21; Johnston JJ et al. Genet Med. 2018 10;20:1175-1185). Based on the supporting evidence, this variant is pathogenic for an increased risk of LZTR1-related schwannomatosis (SWN) and would be expected to cause autosomal recessive Noonan syndrome when present along with a second pathogenic or likely pathogenic variant on the other allele; however, the association of this alteration with autosomal dominant Noonan syndrome is unlikely.

GeneDx
Classification: Likely pathogenic. Last evaluated: 2018-01-09. Review status: criteria provided, single submitter. Criteria: GeneDx Variant Classification (06012015). Collection method: clinical testing. Allele origin: germline. Affected: yes.
Comment: The c.348_349insT variant has not been published as a pathogenic variant, nor has it been reported as a benign variant to our knowledge. The c.348_349insT variant is not observed in large population cohorts (Lek et al., 2016). The c.348_349insT variant in the LZTR1 gene causes a frameshift starting with codon Proline 117, changes this amino acid to a Serine residue and creates a premature Stop codon at position 29 of the new reading frame, denoted p.Pro117SerfsX29. This variant is predicted to cause loss of normal protein function either through protein truncation or nonsense-mediated mRNA decay. Therefore, this variant is likely pathogenic. Loss-of-function variants in the LZTR1 gene are associated with a predisposition to multiple schwannomas following a two-hit model. The lifetime risk of developing multiple schwannomas when harboring a single variant in the LZTR1 gene is currently unknown.

Literature cited by the submitters: PubMed 24362817 (cited by Labcorp Genetics (formerly Invitae), Labcorp); PubMed 25335493 (cited by Labcorp Genetics (formerly Invitae), Labcorp); PubMed 25480913 (cited by Labcorp Genetics (formerly Invitae), Labcorp); PubMed 25795793 (cited by Labcorp Genetics (formerly Invitae), Labcorp); PubMed 29469822 (cited by Labcorp Genetics (formerly Invitae), Labcorp); PubMed 30368668 (cited by Labcorp Genetics (formerly Invitae), Labcorp); PubMed 30442762 (cited by Labcorp Genetics (formerly Invitae), Labcorp); PubMed 30442766 (cited by Labcorp Genetics (formerly Invitae), Labcorp); PubMed 30481304 (cited by Labcorp Genetics (formerly Invitae), Labcorp); PubMed 30859559 (cited by Labcorp Genetics (formerly Invitae), Labcorp).

NM_006767.4(LZTR1):c.348_349insT (p.Pro117fs)

Gene: LZTR1 (leucine zipper like post translational regulator 1; plus strand). Cytogenetic location: 22q11.21.
Variant type: Insertion.
Coding change: c.348_349insT on transcript NM_006767.4 (MANE Select); coding-DNA positions 348 to 349, T inserted.
Protein change: p.Pro117fs; shifts the reading frame from proline 117.
Molecular consequence: frameshift variant.
Genome position: GRCh38 VCF-style: chr22-20987531-C-CT. GRCh37 (hg19) VCF-style: chr22-21341820-C-CT.
Other names: short protein forms P117fs.
Identifiers: ClinVar variation 504043 (VCV000504043.4), dbSNP rs1555927544, ClinGen allele CA658799493.